The following is an entry in ClinVar:

NM_024757.5(EHMT1):c.1354C>T (p.Pro452Ser)

Gene: EHMT1 (euchromatic histone lysine methyltransferase 1; plus strand). Cytogenetic location: 9q34.3.
Variant type: single nucleotide variant.
Coding change: c.1354C>T on transcript NM_024757.5 (MANE Select); coding-DNA position 1354, C replaced by T.
Protein change: p.Pro452Ser; replaces proline 452 with serine.
Molecular consequence: missense variant.
Genome position (GRCh38, 1-based): chr9:137,754,276, C>T. VCF-style: chr9-137754276-C-T. GRCh37 (hg19) VCF-style: chr9-140648728-C-T.
Other names: c.1354C>T, p.Pro452Ser (NM_001145527.2, NM_001354611.2); c.1261C>T, p.Pro421Ser (NM_001354259.2, NM_001354612.2); c.1333C>T, p.Pro445Ser (NM_001354263.2); short protein forms P421S, P445S, P452S.
Identifiers: ClinVar variation 2883616 (VCV002883616.3), dbSNP rs2541827841, ClinGen allele CA375763801.

ClinVar aggregate classification (germline): Uncertain significance (1 of 4 stars; one submission).

Conditions:
Kleefstra syndrome 1 (KLEFS1). Identifiers: Orphanet 261494, MedGen C0795833, MONDO:0027407, OMIM 610253.

Allele frequency attached by ClinVar (database versions not stated): gnomAD exomes below 0.00001.
gnomAD v4.1: 2 of 1,614,060 alleles (0.00012%); highest among the groups gnomAD compares: East Asian, 0.0022%; no homozygotes.

Submission:

Labcorp Genetics (formerly Invitae), Labcorp
Classification: Uncertain significance for Kleefstra syndrome 1. Last evaluated: 2025-12-19. Review status: criteria provided, single submitter. Criteria: Invitae Variant Classification Sherloc (09022015). Collection method: clinical testing. Allele origin: germline.
Comment: This sequence change replaces proline, which is neutral and non-polar, with serine, which is neutral and polar, at codon 452 of the EHMT1 protein (p.Pro452Ser). This variant is not present in population databases (gnomAD no frequency). This variant has not been reported in the literature in individuals affected with EHMT1-related conditions. ClinVar contains an entry for this variant (Variation ID: 2883616). An algorithm developed to predict the effect of missense changes on protein structure and function (PolyPhen-2) suggests that this variant is likely to be tolerated. In summary, the available evidence is currently insufficient to determine the role of this variant in disease. Therefore, it has been classified as a Variant of Uncertain Significance.